The following is an entry in ClinVar:

NM_020779.4(WDR35):c.1856A>T (p.Gln619Leu)

Gene: WDR35 (WD repeat domain 35; minus strand). Cytogenetic location: 2p24.1.
Variant type: single nucleotide variant.
Coding change: c.1856A>T on transcript NM_020779.4 (MANE Select); coding-DNA position 1856, A replaced by T.
Protein change: p.Gln619Leu; replaces glutamine 619 with leucine.
Molecular consequence: missense variant.
Genome position (GRCh38, 1-based): chr2:19,941,829, T>A on the plus strand (A>T on the coding strand, the complement: WDR35 is on the minus strand). VCF-style: chr2-19941829-T-A. GRCh37 (hg19) VCF-style: chr2-20141590-T-A.
Other names: c.1889A>T, p.Gln630Leu (NM_001006657.2); short protein forms Q619L, Q630L.
Identifiers: ClinVar variation 4281842 (VCV004281842.1).

ClinVar aggregate classification (germline): Uncertain significance (1 of 4 stars; one submission).

gnomAD v4.1: 2 of 1,572,854 alleles (0.00013%); highest among the groups gnomAD compares: Non-Finnish European, 0.00017%; no homozygotes.

Submission:

GeneDx
Classification: Uncertain significance. Last evaluated: 2025-04-16. Review status: criteria provided, single submitter. Criteria: GeneDx Variant Classification Process June 2021. Collection method: clinical testing. Allele origin: germline. Affected: yes.
Comment: Not observed at significant frequency in large population cohorts (gnomAD); In silico analysis indicates that this missense variant does not alter protein structure/function; Has not been previously published as pathogenic or benign to our knowledge